The following is an entry in ClinVar:

ClinVar aggregate classification (germline): Conflicting classifications of pathogenicity. Review status: criteria provided, conflicting classifications (1 of 4 stars). 7 submissions from 7 submitters: Uncertain significance (1); Benign (1); Likely benign (4). 1 of the submissions does not count toward it. Last evaluated 2026-08-14.

Conditions:
CDKN1B-related disorder. Also called: CDKN1B-related condition.
Multiple endocrine neoplasia type 4. Also called: MULTIPLE ENDOCRINE NEOPLASIA, TYPE IV. Identifiers: Orphanet 276152, MedGen C1970712, MONDO:0012552, OMIM 610755.
Familial hyperparathyroidism or Hypocalciuric hypercalcaemia.
Hereditary cancer-predisposing syndrome. Also called: Tumor predisposition; Neoplastic Syndromes, Hereditary; Hereditary neoplastic syndrome; Hereditary Cancer Syndrome. Identifiers: Orphanet 140162, MedGen C0027672, MeSH D009386, MONDO:0015356.

Allele frequency attached by ClinVar (database versions not stated): gnomAD exomes 0.00004 and 0.00013; ExAC 0.00017; 1000 Genomes Project 0.00040; gnomAD 0.00040 and 0.00042; TOPMed 0.00053; 1000 Genomes Project 30x 0.00062; ESP Exome Variant Server 0.00062.

Submissions (7):

Cambridge Genomics Laboratory, East Genomic Laboratory Hub, NHS Genomic Medicine Service
Classification: Likely benign for Familial hyperparathyroidism or Hypocalciuric hypercalcaemia. Last evaluated: 2026-08-14. Review status: criteria provided, single submitter. Criteria: ACGS Best Practice Guidelines for Variant Classification in Rare Disease 2020. Collection method: clinical testing. Allele origin: germline. Affected: yes.

Labcorp Genetics (formerly Invitae), Labcorp
Classification: Likely benign for Multiple endocrine neoplasia type 4. Last evaluated: 2026-02-03. Review status: criteria provided, single submitter. Criteria: Invitae Variant Classification Sherloc (09022015). Collection method: clinical testing. Allele origin: germline.

GeneDx
Classification: Uncertain significance. Last evaluated: 2024-04-11. Review status: criteria provided, single submitter. Criteria: GeneDx Variant Classification Process June 2021. Collection method: clinical testing. Allele origin: germline. Affected: yes.
Comment: In silico analysis indicates that this missense variant does not alter protein structure/function; Observed in an individual with a small bowel neuroendocrine tumor (PMID: 26603463); This variant is associated with the following publications: (PMID: 26603463)

Ambry Genetics
Classification: Likely benign for Hereditary cancer-predisposing syndrome. Last evaluated: 2023-05-15. Review status: criteria provided, single submitter. Criteria: Ambry Variant Classification Scheme 2023. Collection method: clinical testing. Allele origin: germline.

Quest Diagnostics Nichols Institute San Juan Capistrano
Classification: Benign. Last evaluated: 2022-12-03. Review status: criteria provided, single submitter. Criteria: Quest Diagnostics criteria. Collection method: clinical testing. Allele origin: unknown.

Sema4
Classification: Likely benign for Hereditary cancer-predisposing syndrome. Last evaluated: 2021-03-15. Review status: criteria provided, single submitter. Criteria: Sema4 Curation Guidelines. Collection method: curation. Allele origin: germline.

PreventionGenetics, part of Exact Sciences
Classification: Likely benign for CDKN1B-related condition. Last evaluated: 2022-05-31. Review status: no assertion criteria provided. Collection method: clinical testing. Allele origin: germline. Not counted in ClinVar's aggregate classification.
Comment: This variant is classified as likely benign based on ACMG/AMP sequence variant interpretation guidelines (Richards et al. 2015 PMID: 25741868, with internal and published modifications).

Literature cited by the submitters: PubMed 26603463 (cited by Ambry Genetics and Quest Diagnostics Nichols Institute San Juan Capistrano).

NM_004064.5(CDKN1B):c.518A>G (p.Asn173Ser)

Gene: CDKN1B (cyclin dependent kinase inhibitor 1B; plus strand). Cytogenetic location: 12p13.1.
Variant type: single nucleotide variant.
Coding change: c.518A>G on transcript NM_004064.5 (MANE Select); coding-DNA position 518, A replaced by G.
Protein change: p.Asn173Ser; replaces asparagine 173 with serine.
Molecular consequence: missense variant.
Genome position (GRCh38, 1-based): chr12:12,718,867, A>G. VCF-style: chr12-12718867-A-G. GRCh37 (hg19) VCF-style: chr12-12871801-A-G.
Other names: short protein forms N173S.
Identifiers: ClinVar variation 412880 (VCV000412880.26), dbSNP rs141509450, ClinGen allele CA6457557.